The following is an entry in ClinVar:

NM_173354.5(SIK1):c.1219T>C (p.Cys407Arg)

Gene: SIK1 (salt inducible kinase 1; minus strand). Cytogenetic location: 21q22.3.
Variant type: single nucleotide variant.
Coding change: c.1219T>C on transcript NM_173354.5 (MANE Select); coding-DNA position 1219, T replaced by C.
Protein change: p.Cys407Arg; replaces cysteine 407 with arginine.
Molecular consequence: missense variant.
Genome position (GRCh38, 1-based): chr21:43,419,379, A>G on the plus strand (T>C on the coding strand, the complement: SIK1 is on the minus strand). VCF-style: chr21-43419379-A-G. GRCh37 (hg19) VCF-style: chr21-44839259-A-G.
Other names: short protein forms C407R.
Identifiers: ClinVar variation 542708 (VCV000542708.18), dbSNP rs746408860, ClinGen allele CA321326092.

ClinVar aggregate classification (germline): Uncertain significance. Review status: criteria provided, multiple submitters, no conflicts (2 of 4 stars). 3 submissions from 3 submitters: Uncertain significance (3). Last evaluated 2022-07-05.

Conditions:
Developmental and epileptic encephalopathy, 30 (DEE30). Also called: Epileptic encephalopathy, early infantile, 30. Identifiers: MedGen C4225360, MONDO:0014595, OMIM 616341.

Allele frequency attached by ClinVar (database versions not stated): gnomAD exomes 0.00001; ExAC 0.00001.

Submissions (3):

Labcorp Genetics (formerly Invitae), Labcorp
Classification: Uncertain significance for Developmental and epileptic encephalopathy, 30. Last evaluated: 2022-07-05. Review status: criteria provided, single submitter. Criteria: Invitae Variant Classification Sherloc (09022015). Collection method: clinical testing. Allele origin: germline.
Comment: Advanced modeling of protein sequence and biophysical properties (such as structural, functional, and spatial information, amino acid conservation, physicochemical variation, residue mobility, and thermodynamic stability) performed at Invitae indicates that this missense variant is not expected to disrupt SIK1 protein function. ClinVar contains an entry for this variant (Variation ID: 542708). This variant has not been reported in the literature in individuals affected with SIK1-related conditions. This variant is present in population databases (rs746408860, gnomAD 0.007%). This sequence change replaces cysteine, which is neutral and slightly polar, with arginine, which is basic and polar, at codon 407 of the SIK1 protein (p.Cys407Arg). In summary, the available evidence is currently insufficient to determine the role of this variant in disease. Therefore, it has been classified as a Variant of Uncertain Significance.

New York Genome Center
Classification: Uncertain significance for Developmental and epileptic encephalopathy, 30. Last evaluated: 2019-10-30. Review status: criteria provided, single submitter. Criteria: NYGC Assertion Criteria 2020. Collection method: clinical testing. Allele origin: inherited. Observed: 1 heterozygote. Study: CSER-NYCKidSeq.

Mayo Clinic Laboratories, Mayo Clinic
Classification: Uncertain significance. Last evaluated: 2019-05-20. Review status: criteria provided, single submitter. Criteria: ACMG Guidelines, 2015. Collection method: clinical testing. Allele origin: germline. Observed: 1 variant allele.